The following is an entry in ClinVar:

NM_001211.6(BUB1B):c.356C>T (p.Pro119Leu)

Gene: BUB1B (BUB1 mitotic checkpoint serine/threonine kinase B; plus strand). Cytogenetic location: 15q15.1.
Variant type: single nucleotide variant.
Coding change: c.356C>T on transcript NM_001211.6 (MANE Select); coding-DNA position 356, C replaced by T.
Protein change: p.Pro119Leu; replaces proline 119 with leucine.
Molecular consequence: missense variant.
Genome position (GRCh38, 1-based): chr15:40,170,653, C>T. VCF-style: chr15-40170653-C-T. GRCh37 (hg19) VCF-style: chr15-40462854-C-T.
Other names: short protein forms P119L.
Identifiers: ClinVar variation 4867971 (VCV004867971.1).

ClinVar aggregate classification (germline): Uncertain significance (1 of 4 stars; one submission).

Conditions:
Inborn genetic diseases. Identifiers: MedGen C0950123, MeSH D030342.

gnomAD v4.1: 2 of 1,613,650 alleles (0.00012%); highest among the groups gnomAD compares: Non-Finnish European, 0.00017%; no homozygotes.

Submission:

Ambry Genetics
Classification: Uncertain significance for Inborn genetic diseases. Last evaluated: 2026-04-08. Review status: criteria provided, single submitter. Criteria: Ambry Variant Classification Scheme 2023. Collection method: clinical testing. Allele origin: germline.
Comment: The p.P119L variant (also known as c.356C>T), located in coding exon 4 of the BUB1B gene, results from a C to T substitution at nucleotide position 356. The proline at codon 119 is replaced by leucine, an amino acid with similar properties. This amino acid position is conserved. In addition, this alteration is predicted to be tolerated by in silico analysis. Based on the available evidence, the clinical significance of this variant remains unclear.